The following is an entry in ClinVar:

ClinVar aggregate classification (germline): Uncertain significance (1 of 4 stars; one submission).

Submission:

Labcorp Genetics (formerly Invitae), Labcorp
Classification: Uncertain significance. Last evaluated: 2023-08-10. Review status: criteria provided, single submitter. Criteria: Invitae Variant Classification Sherloc (09022015). Collection method: clinical testing. Allele origin: germline.
Comment: In summary, the available evidence is currently insufficient to determine the role of this variant in disease. Therefore, it has been classified as a Variant of Uncertain Significance. Algorithms developed to predict the effect of sequence changes on RNA splicing suggest that this variant may create or strengthen a splice site. Advanced modeling of protein sequence and biophysical properties (such as structural, functional, and spatial information, amino acid conservation, physicochemical variation, residue mobility, and thermodynamic stability) performed at Invitae indicates that this missense variant is not expected to disrupt CACNA1F protein function. ClinVar contains an entry for this variant (Variation ID: 1488353). This variant has not been reported in the literature in individuals affected with CACNA1F-related conditions. This variant is not present in population databases (gnomAD no frequency). This sequence change replaces arginine, which is basic and polar, with serine, which is neutral and polar, at codon 803 of the CACNA1F protein (p.Arg803Ser).

NM_001256789.3(CACNA1F):c.2376G>T (p.Arg792Ser)

Gene: CACNA1F (calcium voltage-gated channel subunit alpha1 F; minus strand). Cytogenetic location: Xp11.23.
Variant type: single nucleotide variant.
Coding change: c.2376G>T on transcript NM_001256789.3 (MANE Select); coding-DNA position 2376, G replaced by T.
Protein change: p.Arg792Ser; replaces arginine 792 with serine.
Molecular consequence: missense variant.
Genome position (GRCh38, 1-based): chrX:49,220,483, C>A on the plus strand (G>T on the coding strand, the complement: CACNA1F is on the minus strand). VCF-style: chrX-49220483-C-A. GRCh37 (hg19) VCF-style: chrX-49076942-C-A.
Other names: c.2214G>T, p.Arg738Ser (NM_001256790.3); c.2409G>T, p.Arg803Ser (NM_005183.4); short protein forms R738S, R803S, R792S.
Identifiers: ClinVar variation 1488353 (VCV001488353.6), dbSNP rs2147911088, ClinGen allele CA412908201.